The following is an entry in ClinVar:

NM_032776.3(JMJD1C):c.4814A>G (p.Asp1605Gly)

Gene: JMJD1C (jumonji domain containing 1C; minus strand). Cytogenetic location: 10q21.3.
Variant type: single nucleotide variant.
Coding change: c.4814A>G on transcript NM_032776.3 (MANE Select); coding-DNA position 4814, A replaced by G.
Protein change: p.Asp1605Gly; replaces aspartic acid 1605 with glycine.
Molecular consequence: missense variant. On other transcripts: non-coding transcript variant (1).
Genome position (GRCh38, 1-based): chr10:63,206,855, T>C on the plus strand (A>G on the coding strand, the complement: JMJD1C is on the minus strand). VCF-style: chr10-63206855-T-C. GRCh37 (hg19) VCF-style: chr10-64966615-T-C.
Other names: c.4268A>G, p.Asp1423Gly (NM_001282948.2, NM_001318154.2); c.3950A>G, p.Asp1317Gly (NM_001318153.2); c.4700A>G, p.Asp1567Gly (NM_001322252.2); c.4157A>G, p.Asp1386Gly (NM_001322254.2, NM_001322258.2); short protein forms D1317G, D1386G, D1423G, D1567G, D1605G.
Identifiers: ClinVar variation 1010627 (VCV001010627.8), dbSNP rs1846684838, ClinGen allele CA377036353.

ClinVar aggregate classification (germline): Uncertain significance (1 of 4 stars; one submission).

Conditions:
Early Myoclonic Encephalopathy. Identifiers: MedGen C0270855.

Allele frequency attached by ClinVar (database versions not stated): gnomAD exomes below 0.00001.
gnomAD v4.1: 1 of 1,602,828 alleles (0.000062%); highest among the groups gnomAD compares: Non-Finnish European, 0.000085%; no homozygotes.

Submission:

Labcorp Genetics (formerly Invitae), Labcorp
Classification: Uncertain significance for Early Myoclonic Encephalopathy. Last evaluated: 2023-12-18. Review status: criteria provided, single submitter. Criteria: Invitae Variant Classification Sherloc (09022015). Collection method: clinical testing. Allele origin: germline.
Comment: This sequence change replaces aspartic acid, which is acidic and polar, with glycine, which is neutral and non-polar, at codon 1605 of the JMJD1C protein (p.Asp1605Gly). This variant is not present in population databases (gnomAD no frequency). This variant has not been reported in the literature in individuals affected with JMJD1C-related conditions. ClinVar contains an entry for this variant (Variation ID: 1010627). Advanced modeling of protein sequence and biophysical properties (such as structural, functional, and spatial information, amino acid conservation, physicochemical variation, residue mobility, and thermodynamic stability) performed at Invitae indicates that this missense variant is not expected to disrupt JMJD1C protein function with a negative predictive value of 80%. In summary, the available evidence is currently insufficient to determine the role of this variant in disease. Therefore, it has been classified as a Variant of Uncertain Significance.